The following is an entry in ClinVar:

ClinVar aggregate classification (germline): Likely pathogenic. Review status: criteria provided, multiple submitters, no conflicts (2 of 4 stars). 3 submissions from 3 submitters: Likely pathogenic (2). 1 of the submissions does not count toward it. Last evaluated 2021-11-10.

Conditions:
HEMOGLOBIN LEIDEN.

Submissions (3):

ARUP Laboratories, Molecular Genetics and Genomics, ARUP Laboratories
Classification: Likely pathogenic. Last evaluated: 2021-11-10. Review status: criteria provided, single submitter. Criteria: ARUP Molecular Germline Variant Investigation Process 2021. Collection method: clinical testing. Allele origin: germline.
Comment: The Hb Leiden variant (HBB: c.22_24del; p.Glu8del, also known as Glu7del when numbered from the mature protein, rs63750928) is reported in the literature in multiple individuals affected with episodes of hemolytic anemia, although most exhibited normal hematology outside of hemolytic episodes (De Jong 1968, Rieder 1974, Schroeder 1982, HbVar database and references therein). Additionally, this variant has been observed in trans to HbE in a proband with a clinical picture of mild thalassemia intermedia and was absent from both parents, suggesting a de novo origin in this individual (Sanguansermsri 2003). This variant is absent from the Genome Aggregation Database, indicating it is not a common polymorphism. This variant deletes a single glutamate residue, leaving the rest of the protein in-frame. Functional analyses suggest the variant is mildly unstable, although it is unclear if this is clinically significant (Rieder 1974). Still, based on available information, including its occurrence in multiple affected individuals, the Hb Leiden variant is considered to be likely pathogenic. References: HbVar link for Hb Leiden: De Jong WW et al. Haemoglobin Leiden: deletion of beta-6 or 7 glutamic acid. Nature. 1968 Nov 23;220(5169):788-90. PMID: 5698750 Rieder RF and James GW. Imbalance in alpha and beta globin synthesis associated with a hemoglobinopathy. J Clin Invest. 1974 Oct;54(4):948-56. PMID: 4430724. Sanguansermsri P et al. Spontaneous mutation of the hemoglobin Leiden (beta 6 or 7 Glu-->0) in a Thai girl. Haematologica. 2003 Dec;88(12):ECR35. PMID: 14688008. Schroeder WA et al. An unusual phenotypic expression of Hb-Leiden. Biochem Genet. 1982 Dec;20(11-12):1175-87. PMID: 7165693.

Quest Diagnostics Nichols Institute San Juan Capistrano
Classification: Likely pathogenic. Last evaluated: 2021-02-15. Review status: criteria provided, single submitter. Criteria: Quest Diagnostics criteria. Collection method: clinical testing. Allele origin: unknown.
Comment: This variant has been reported to be an unstable hemoglobin variant with slightly increased oxygen affinity. Heterozygosity for Hb Leiden is associated with mild hemolytic anemia and reticulocytosis (PMID 6874375 (1983), 14688008 (2003)).

OMIM
Classification: other for HEMOGLOBIN LEIDEN. Last evaluated: 2019-11-14. Review status: no assertion criteria provided. Collection method: literature only. Allele origin: germline. Not counted in ClinVar's aggregate classification.

Literature cited by the submitters: PubMed 7165693 (cited by Quest Diagnostics Nichols Institute San Juan Capistrano and OMIM); PubMed 6874375 (cited by Quest Diagnostics Nichols Institute San Juan Capistrano and OMIM); PubMed 4430724 (cited by Quest Diagnostics Nichols Institute San Juan Capistrano); PubMed 1252618 (cited by Quest Diagnostics Nichols Institute San Juan Capistrano); PubMed 5698750 (cited by Quest Diagnostics Nichols Institute San Juan Capistrano); PubMed 4748816 (cited by Quest Diagnostics Nichols Institute San Juan Capistrano); PubMed 14688008 (cited by Quest Diagnostics Nichols Institute San Juan Capistrano); PubMed 26635043 (cited by Quest Diagnostics Nichols Institute San Juan Capistrano); PubMed 8111050 (cited by OMIM).

NM_000518.5(HBB):c.19GAG[1] (p.Glu8del)

Genes: HBB (hemoglobin subunit beta; minus strand), LOC106099062 (HBB recombination region; plus strand), LOC107133510 (origin of replication at HBB; plus strand). Cytogenetic location: 11p15.4.
Variant type: Microsatellite.
Coding change: c.19GAG[1] on transcript NM_000518.5 (MANE Select); one copy of the 3-base unit GAG starting at c.19; the reference has two copies in a row; one copy, 3 bases deleted.
Protein change: p.Glu8del; deletes glutamic acid 8.
Molecular consequence: inframe deletion.
Genome position (GRCh38, 1-based): chr11:5,226,998-5,227,000, CTC deleted on the plus strand (GAG on the coding strand, the reverse complement: HBB is on the minus strand); deleting any 3 consecutive bases within chr11:5,226,998-5,227,003 gives the same sequence; the position shown is the placement nearest the transcript's 3' end. VCF-style (leftmost placement, unchanged base first): chr11-5226997-TCTC-T. GRCh37 (hg19) VCF-style: chr11-5248227-TCTC-T.
Other names: short protein forms E8del.
Identifiers: ClinVar variation 15247 (VCV000015247.13), dbSNP rs63750928, ClinGen allele CA124997.